The following is an entry in ClinVar:

NC_000011.9:g.(?_747482)_(747598_?)del

Gene: TALDO1 (transaldolase 1; plus strand). Cytogenetic location: 11p15.5.
Variant type: Deletion.
Identifiers: ClinVar variation 1450849 (VCV001450849.5).

ClinVar aggregate classification (germline): Pathogenic (1 of 4 stars; one submission).

Submission:

Labcorp Genetics (formerly Invitae), Labcorp
Classification: Pathogenic. Last evaluated: 2023-08-04. Review status: criteria provided, single submitter. Criteria: Invitae Variant Classification Sherloc (09022015). Collection method: clinical testing. Allele origin: germline.
Comment: For these reasons, this variant has been classified as Pathogenic. This variant has not been reported in the literature in individuals affected with TALDO1-related conditions. This variant is a gross deletion of the genomic region encompassing exon(s) 1 of the TALDO1 gene, which includes the initiator codon. This deletion extends beyond the assayed region for this gene and therefore may encompass additional genes. It is expected to result in an absent or disrupted protein product. Loss-of-function variants in TALDO1 are known to be pathogenic (PMID: 23315216, 26238251).

Literature cited by the submitters: PubMed 23315216; PubMed 26238251.